The following is an entry in ClinVar:

ClinVar aggregate classification (germline): Likely benign (1 of 4 stars; one submission).

Allele frequency attached by ClinVar (database versions not stated): TOPMed below 0.00001; ExAC 0.00001; gnomAD exomes 0.00001.
gnomAD v4.1: 5 of 1,614,152 alleles (0.00031%); highest among the groups gnomAD compares: Non-Finnish European, 0.00034%; no homozygotes.

Submission:

CeGaT Center for Human Genetics Tuebingen
Classification: Likely benign. Last evaluated: 2023-04-01. Review status: criteria provided, single submitter. Criteria: CeGaT Center For Human Genetics Tuebingen Variant Classification Criteria Version 2. Collection method: clinical testing. Allele origin: germline. Affected: yes. Observed: 2 variant alleles.
Comment: EXT1: PP3, BS2

NM_000127.3(EXT1):c.529A>G (p.Lys177Glu)

Gene: EXT1 (exostosin glycosyltransferase 1; minus strand). Cytogenetic location: 8q24.11.
Variant type: single nucleotide variant.
Coding change: c.529A>G on transcript NM_000127.3 (MANE Select); coding-DNA position 529, A replaced by G.
Protein change: p.Lys177Glu; replaces lysine 177 with glutamic acid.
Molecular consequence: missense variant.
Genome position (GRCh38, 1-based): chr8:118,110,518, T>C on the plus strand (A>G on the coding strand, the complement: EXT1 is on the minus strand). VCF-style: chr8-118110518-T-C. GRCh37 (hg19) VCF-style: chr8-119122757-T-C.
Other names: short protein forms K177E.
Identifiers: ClinVar variation 2658775 (VCV002658775.24), dbSNP rs762291120, ClinGen allele CA4854348.
Genomic context (GRCh38, chr8:118,110,518, plus strand): 5'-AATATAAATTAAAAATTAAATGATTCCTACCATTGTTCCACAAGTGGAGACTCTGCACTT[T>C]GGATCTCAAATTGTGCACATACTGAGGTGACAACTGGTCTCTGTCTAAAGTATCCAGACT-3'
Protein context (NP_000118.2, residues 167-187): SPQYVHNLRS[Lys177Glu]VQSLHLWNNG